The following is an entry in ClinVar:

ClinVar aggregate classification (germline): Benign/Likely benign. Review status: criteria provided, multiple submitters, no conflicts (2 of 4 stars). 3 submissions from 3 submitters: Benign (1); Likely benign (2). Last evaluated 2025-10-21.

Conditions:
Prostate cancer, hereditary, 9 (HPC9). Identifiers: Orphanet 1331, MedGen C1970250, MONDO:0012597, OMIM 610997.
Hereditary cancer-predisposing syndrome. Also called: Hereditary neoplastic syndrome; Hereditary Cancer Syndrome; Neoplastic Syndromes, Hereditary; Tumor predisposition. Identifiers: Orphanet 140162, MedGen C0027672, MeSH D009386, MONDO:0015356.

Allele frequency attached by ClinVar (database versions not stated): gnomAD exomes below 0.00001.
gnomAD v4.1: 1 of 1,614,210 alleles (0.000062%); highest among the groups gnomAD compares: Admixed American, 0.0017%; no homozygotes.

Submissions (3):

Labcorp Genetics (formerly Invitae), Labcorp
Classification: Likely benign. Last evaluated: 2025-10-21. Review status: criteria provided, single submitter. Criteria: Invitae Variant Classification Sherloc (09022015). Collection method: clinical testing. Allele origin: germline.

Myriad Genetics, Inc.
Classification: Benign for Prostate cancer, hereditary, 9. Last evaluated: 2024-10-31. Review status: criteria provided, single submitter. Criteria: Myriad Autosomal Dominant, Autosomal Recessive and X-Linked Classification Criteria (2023). Collection method: clinical testing. Allele origin: unknown.
Comment: This variant is considered benign. This variant is a silent/synonymous amino acid change and it is not expected to impact splicing.

Ambry Genetics
Classification: Likely benign for Hereditary cancer-predisposing syndrome. Last evaluated: 2019-11-21. Review status: criteria provided, single submitter. Criteria: Ambry Variant Classification Scheme 2023. Collection method: clinical testing. Allele origin: germline.

NM_006361.6(HOXB13):c.786C>A (p.Ile262=)

Gene: HOXB13 (homeobox B13; minus strand). Cytogenetic location: 17q21.32.
Variant type: single nucleotide variant.
Coding change: c.786C>A on transcript NM_006361.6 (MANE Select); coding-DNA position 786, C replaced by A.
Protein change: p.Ile262=; no amino-acid change (isoleucine 262 retained).
Molecular consequence: synonymous variant.
Genome position (GRCh38, 1-based): chr17:48,726,859, G>T on the plus strand (C>A on the coding strand, the complement: HOXB13 is on the minus strand). VCF-style: chr17-48726859-G-T. GRCh37 (hg19) VCF-style: chr17-46804221-G-T.
Identifiers: ClinVar variation 1116595 (VCV001116595.12), dbSNP rs2038215864, ClinGen allele CA500499411.